The following is an entry in ClinVar:

ClinVar aggregate classification (germline): Uncertain significance. Review status: criteria provided, single submitter (1 of 4 stars). 2 submissions from 2 submitters: Uncertain significance (1). 1 of the submissions does not count toward it. Last evaluated 2023-04-26.

Conditions:
CC2D2A-related disorder. Also called: CC2D2A-related condition; CC2D2A-related disorders. Identifiers: MedGen CN239313.

Allele frequency attached by ClinVar (database versions not stated): gnomAD exomes 0.00005; 1000 Genomes Project 30x 0.00031; 1000 Genomes Project 0.00040; TOPMed 0.00065; gnomAD 0.00068.
gnomAD v4.1: 116 of 454,188 alleles (0.026%); highest among the groups gnomAD compares: African/African-American, 0.22%; 1 homozygote.

Submissions (2):

Blueprint Genetics
Classification: Uncertain significance. Last evaluated: 2023-04-26. Review status: criteria provided, single submitter. Criteria: ACMG Guidelines, 2015. Collection method: clinical testing. Allele origin: germline.

PreventionGenetics, part of Exact Sciences
Classification: Likely benign for CC2D2A-related condition. Last evaluated: 2022-03-10. Review status: no assertion criteria provided. Collection method: clinical testing. Allele origin: germline. Not counted in ClinVar's aggregate classification.
Comment: This variant is classified as likely benign based on ACMG/AMP sequence variant interpretation guidelines (Richards et al. 2015 PMID: 25741868, with internal and published modifications).

NM_001378615.1(CC2D2A):c.247+436C>T

Genes: CC2D2A (coiled-coil and C2 domain containing 2A; plus strand), FBXL5 (F-box and leucine rich repeat protein 5; minus strand). Cytogenetic location: 4p15.32.
Variant type: single nucleotide variant.
Coding change: c.247+436C>T on transcript NM_001378615.1 (MANE Select); 436 bases into the intron after coding-DNA position 247, C replaced by T.
Molecular consequence: intron variant. On other transcripts: missense variant (1), 3 prime UTR variant (1).
Genome position (GRCh38, 1-based): chr4:15,481,263, C>T. VCF-style: chr4-15481263-C-T. GRCh37 (hg19) VCF-style: chr4-15482887-C-T.
Other names: c.314C>T, p.Thr105Ile (NM_001164720.3); c.*51C>T (NM_020785.2); c.247+436C>T (NM_001080522.2); c.100+436C>T (NM_001378617.1); short protein forms T105I.
Identifiers: ClinVar variation 3034513 (VCV003034513.3), dbSNP rs138193520, ClinGen allele CA92517703.
Genomic context (GRCh38, chr4:15,481,263, plus strand): 5'-TGGTTGTTAAAAAGAGCCTGGGCAGGCCAGGCACGGTGACTCACGTCTGTAATCCCAGCA[C>T]TTTGGAAGGCCGAGGCGGGTAAATCACCTGAGGTTGGGAGTTCAAGACCAGCCTGACCAA-3'